The following is an entry in ClinVar:

NM_020247.5(COQ8A):c.1399-13G>A

Gene: COQ8A (coenzyme Q8A; plus strand). Cytogenetic location: 1q42.13.
Variant type: single nucleotide variant.
Coding change: c.1399-13G>A on transcript NM_020247.5 (MANE Select); 13 bases into the intron before coding-DNA position 1399, G replaced by A.
Molecular consequence: intron variant.
Genome position (GRCh38, 1-based): chr1:226,984,535, G>A. VCF-style: chr1-226984535-G-A. GRCh37 (hg19) VCF-style: chr1-227172236-G-A.
Identifiers: ClinVar variation 296022 (VCV000296022.14), dbSNP rs73087649, ClinGen allele CA1425480.

ClinVar aggregate classification (germline): Conflicting classifications of pathogenicity. Review status: criteria provided, conflicting classifications (1 of 4 stars). 4 submissions from 4 submitters: Uncertain significance (1); Benign (1); Likely benign (2). Last evaluated 2026-02-02.

Conditions:
Autosomal recessive ataxia due to ubiquinone deficiency. Also called: SPINOCEREBELLAR ATAXIA, AUTOSOMAL RECESSIVE 9; Coenzyme Q10 deficiency, primary, 4. Identifiers: Orphanet 139485, MedGen C2677589, MONDO:0012784, OMIM 612016.

Allele frequency attached by ClinVar (database versions not stated): ESP Exome Variant Server 0.00008; ExAC 0.00019; 1000 Genomes Project 0.00020; gnomAD exomes 0.00020; 1000 Genomes Project 30x 0.00031; gnomAD 0.00040 and 0.00041; TOPMed 0.00053.
gnomAD v4.1: 327 of 1,605,088 alleles (0.02%); highest among the groups gnomAD compares: Middle Eastern, 1.1%; 5 homozygotes.

Submissions (4):

Labcorp Genetics (formerly Invitae), Labcorp
Classification: Likely benign. Last evaluated: 2026-02-02. Review status: criteria provided, single submitter. Criteria: Invitae Variant Classification Sherloc (09022015). Collection method: clinical testing. Allele origin: germline.

Blueprint Genetics
Classification: Likely benign. Last evaluated: 2024-10-30. Review status: criteria provided, single submitter. Criteria: ACMG Guidelines, 2015. Collection method: clinical testing. Allele origin: germline.

Illumina Laboratory Services, Illumina
Classification: Uncertain significance for Autosomal recessive ataxia due to ubiquinone deficiency. Last evaluated: 2018-01-13. Review status: criteria provided, single submitter. Criteria: ICSL Variant Classification Criteria 13 December 2019. Collection method: clinical testing. Allele origin: germline.

GeneDx
Classification: Benign. Last evaluated: 2015-03-14. Review status: criteria provided, single submitter. Criteria: GeneDx Variant Classification (06012015). Collection method: clinical testing. Allele origin: germline. Affected: yes.
Comment: This variant is considered likely benign or benign based on one or more of the following criteria: it is a conservative change, it occurs at a poorly conserved position in the protein, it is predicted to be benign by multiple in silico algorithms, and/or has population frequency not consistent with disease.